The following is an entry in ClinVar:

NM_212482.4(FN1):c.1054G>A (p.Gly352Ser)

Genes: FN1 (fibronectin 1; minus strand), LOC126806498 (CDK7 strongly-dependent group 2 enhancer GRCh37_chr2:216288045-216289244; plus strand). Cytogenetic location: 2q35.
Variant type: single nucleotide variant.
Coding change: c.1054G>A on transcript NM_212482.4 (MANE Select); coding-DNA position 1054, G replaced by A.
Protein change: p.Gly352Ser; replaces glycine 352 with serine.
Molecular consequence: missense variant.
Genome position (GRCh38, 1-based): chr2:215,424,308, C>T on the plus strand (G>A on the coding strand, the complement: FN1 is on the minus strand). VCF-style: chr2-215424308-C-T. GRCh37 (hg19) VCF-style: chr2-216289031-C-T.
Other names: c.1054G>A, p.Gly352Ser (NM_001365518.2, NM_001365519.2, NM_001365520.2 and 14 more transcripts); c.1054G>A (NM_212482.2); short protein forms G352S.
Identifiers: ClinVar variation 1020547 (VCV001020547.9), dbSNP rs13306372, ClinGen allele CA2095383.

ClinVar aggregate classification (germline): Conflicting classifications of pathogenicity. Review status: criteria provided, conflicting classifications (1 of 4 stars). 3 submissions from 3 submitters: Uncertain significance (2); Likely benign (1). Last evaluated 2026-08-07.

Conditions:
Glomerulopathy with fibronectin deposits 2 (GFND2). Identifiers: Orphanet 84090, MedGen C1866075, MONDO:0011165, OMIM 601894.
Spondylometaphyseal dysplasia - Sutcliffe type. Also called: Sutcliffe type of spondylometaphyseal dysplasia; Sutcliffe SMD; Spondylometaphyseal Dysplasia, Corner Fracture Type; Spondylometaphyseal dysplasia, 'corner fracture' type. Identifiers: Orphanet 93315, MedGen C0432221, MONDO:0008479, OMIM 184255.
FN1-related disorder. Also called: FN1-related condition.

Allele frequency attached by ClinVar (database versions not stated): gnomAD 0.00001; TOPMed 0.00001; ExAC 0.00005.
gnomAD v4.1: 26 of 1,613,702 alleles (0.0016%); highest among the groups gnomAD compares: East Asian, 0.022%; 1 homozygote.

Submissions (3):

PreventionGenetics, part of Exact Sciences
Classification: Uncertain significance for FN1-related condition. Last evaluated: 2026-08-07. Review status: criteria provided, single submitter. Criteria: ACMG Guidelines, 2015. Collection method: clinical testing. Allele origin: germline.
Comment: The FN1 c.1054G>A variant is predicted to result in the amino acid substitution p.Gly352Ser. To our knowledge, this variant has not been reported in the literature. This variant is reported in 0.035% of alleles in individuals of East Asian descent in gnomAD. Although we suspect that this variant may be benign, at this time, the clinical significance of this variant is uncertain due to the absence of conclusive functional and genetic evidence.

Labcorp Genetics (formerly Invitae), Labcorp
Classification: Likely benign. Last evaluated: 2024-09-05. Review status: criteria provided, single submitter. Criteria: Invitae Variant Classification Sherloc (09022015). Collection method: clinical testing. Allele origin: germline.

Fulgent Genetics
Classification: Uncertain significance for Spondylometaphyseal dysplasia - Sutcliffe type; Glomerulopathy with fibronectin deposits 2. Last evaluated: 2024-06-23. Review status: criteria provided, single submitter. Criteria: ACMG Guidelines, 2015. Collection method: clinical testing. Allele origin: germline.